The following is an entry in ClinVar:

NC_000023.11:g.18650548A>G

Genes: CDKL5 (cyclin dependent kinase like 5; plus strand), RS1 (retinoschisin 1; minus strand). Cytogenetic location: Xp22.13.
Variant type: single nucleotide variant.
Molecular consequence: intron variant (on NM_000330.4). On other transcripts: missense variant (2).
Genome position: GRCh38 VCF-style: chrX-18650548-A-G. GRCh37 (hg19) VCF-style: chrX-18668668-A-G.
Other names: c.2936A>G, p.Gln979Arg (NM_001037343.2, NM_003159.3); c.185-3216T>C (NM_000330.4); short protein forms Q979R.
Identifiers: ClinVar variation 3762028 (VCV003762028.4).
Genomic context (GRCh38, chrX:18,650,548, plus strand): 5'-CCAGTCCTGCTCCCTATCCAGTACTCCAGGTCCGAGGCACTTCCATGTGCCCGACACTCC[A>G]GGTCCGAGGCACTGATGCTTTCAGCTGCCCAACCCAGCAATCCGGTAAGCAGAGACTCTA-3'

ClinVar aggregate classification (germline): Conflicting classifications of pathogenicity. Review status: criteria provided, conflicting classifications (1 of 4 stars). 2 submissions from 2 submitters: Uncertain significance (1); Likely benign (1). Last evaluated 2026-06-01.

Conditions:
Developmental and epileptic encephalopathy, 2 (DEE2). Also called: CDKL5 deficiency disorder; INFANTILE SPASM SYNDROME, X-LINKED 2. Identifiers: Orphanet 1934, Orphanet 3451, Orphanet 505652, MedGen C4750718, MONDO:0010396, OMIM 300672.
Angelman syndrome-like. Identifiers: MedGen CN128785.

gnomAD v4.1: 9 of 1,210,777 alleles (0.00074%); highest among the groups gnomAD compares: Non-Finnish European, 0.001%; no homozygotes.

Submissions (2):

CeGaT Center for Human Genetics Tuebingen
Classification: Likely benign. Last evaluated: 2026-06-01. Review status: criteria provided, single submitter. Criteria: CeGaT Center For Human Genetics Tuebingen Variant Classification Criteria Version 2. Collection method: clinical testing. Allele origin: germline. Affected: yes. Observed: 1 variant allele.
Comment: CDKL5: BP4

Labcorp Genetics (formerly Invitae), Labcorp
Classification: Uncertain significance for Developmental and epileptic encephalopathy, 2; Angelman syndrome-like. Last evaluated: 2024-10-24. Review status: criteria provided, single submitter. Criteria: Invitae Variant Classification Sherloc (09022015). Collection method: clinical testing. Allele origin: germline.
Comment: This sequence change replaces glutamine, which is neutral and polar, with arginine, which is basic and polar, at codon 979 of the CDKL5 protein (p.Gln979Arg). This variant is not present in population databases (gnomAD no frequency). This variant has not been reported in the literature in individuals affected with CDKL5-related conditions. Invitae Evidence Modeling of protein sequence and biophysical properties (such as structural, functional, and spatial information, amino acid conservation, physicochemical variation, residue mobility, and thermodynamic stability) indicates that this missense variant is not expected to disrupt CDKL5 protein function with a negative predictive value of 95%. In summary, the available evidence is currently insufficient to determine the role of this variant in disease. Therefore, it has been classified as a Variant of Uncertain Significance.